The following is an entry in ClinVar:

NM_000431.4(MVK):c.737T>C (p.Leu246Pro)

Gene: MVK (mevalonate kinase; plus strand). Cytogenetic location: 12q24.11.
Variant type: single nucleotide variant.
Coding change: c.737T>C on transcript NM_000431.4 (MANE Select); coding-DNA position 737, T replaced by C.
Protein change: p.Leu246Pro; replaces leucine 246 with proline.
Molecular consequence: missense variant.
Genome position (GRCh38, 1-based): chr12:109,590,830, T>C. VCF-style: chr12-109590830-T-C. GRCh37 (hg19) VCF-style: chr12-110028635-T-C.
Other names: c.737T>C, p.Leu246Pro (NM_001114185.3); c.581T>C, p.Leu194Pro (NM_001301182.2); short protein forms L246P, L194P.
Identifiers: ClinVar variation 97615 (VCV000097615.2), dbSNP rs104895312, ClinGen allele CA149884.

ClinVar aggregate classification (germline): Uncertain significance. Review status: criteria provided, single submitter (1 of 4 stars). 2 submissions from 2 submitters: Uncertain significance (1). 1 of the submissions does not count toward it. Last evaluated 2025-05-12.

Conditions:
Hyperimmunoglobulin D with periodic fever (HIDS). Also called: HYPERIMMUNOGLOBULINEMIA D AND PERIODIC FEVER SYNDROME; Hyperimmunoglobulinemia D; Hyperimmunoglobulinemia D with periodic fever. Identifiers: Orphanet 343, MedGen C0398691, MONDO:0009849, OMIM 260920.

Allele frequency attached by ClinVar (database versions not stated): gnomAD exomes below 0.00001 and 0.00001; ExAC 0.00001; gnomAD 0.00001.
gnomAD v4.1: 2 of 1,614,076 alleles (0.00012%); highest among the groups gnomAD compares: Non-Finnish European, 0.00017%; no homozygotes.

Submissions (2):

Women's Health and Genetics/Laboratory Corporation of America, LabCorp
Classification: Uncertain significance. Last evaluated: 2025-05-12. Review status: criteria provided, single submitter. Criteria: LabCorp Variant Classification Summary - May 2015. Collection method: clinical testing. Allele origin: germline.
Comment: Variant summary: MVK c.737T>C (p.Leu246Pro) results in a non-conservative amino acid change in the encoded protein sequence. Algorithms developed to predict the effect of missense changes on protein structure and function all suggest that this variant is likely to be disruptive. The variant allele was found at a frequency of 8e-06 in 251472 control chromosomes. The available data on variant occurrences in the general population are insufficient to allow any conclusion about variant significance. c.737T>C has been observed in the presumed compound heterozygous state in at least 1 individual(s) affected with Mevalonic aciduria (example, Kuzmenko_2024). These data do not allow any conclusion about variant significance. To our knowledge, no experimental evidence demonstrating an impact on protein function has been reported. The following publication has been ascertained in the context of this evaluation (PMID: 39052144). ClinVar contains an entry for this variant (Variation ID: 97615). Based on the evidence outlined above, the variant was classified as uncertain significance.

Unité médicale des maladies autoinflammatoires, CHRU Montpellier
No classification provided. Condition: Hyperimmunoglobulin D with periodic fever. Review status: no classification provided. Collection method: not provided. Allele origin: unknown. Not counted in ClinVar's aggregate classification.
Comment: also involved in OMIM 25117

Literature cited by the submitters: PubMed 39052144 (cited by Women's Health and Genetics/Laboratory Corporation of America, LabCorp).